The following is an entry in ClinVar:

ClinVar aggregate classification (germline): Likely benign (0 of 4 stars; one submission).

Conditions:
MYO1E-related disorder. Also called: MYO1E-related condition.

Allele frequency attached by ClinVar (database versions not stated): ExAC 0.00003; gnomAD 0.00003; gnomAD exomes 0.00003; TOPMed 0.00003.
gnomAD v4.1: 55 of 1,613,756 alleles (0.0034%); highest among the groups gnomAD compares: Middle Eastern, 0.016%; no homozygotes.

Submission:

PreventionGenetics, part of Exact Sciences
Classification: Likely benign for MYO1E-related condition. Last evaluated: 2022-12-20. Review status: no assertion criteria provided. Collection method: clinical testing. Allele origin: germline.
Comment: This variant is classified as likely benign based on ACMG/AMP sequence variant interpretation guidelines (Richards et al. 2015 PMID: 25741868, with internal and published modifications).

NM_004998.4(MYO1E):c.3251-3C>T

Gene: MYO1E (myosin IE; minus strand). Cytogenetic location: 15q22.2.
Variant type: single nucleotide variant.
Coding change: c.3251-3C>T on transcript NM_004998.4 (MANE Select); 3 bases into the intron before coding-DNA position 3251, C replaced by T.
Molecular consequence: intron variant.
Genome position (GRCh38, 1-based): chr15:59,137,459, G>A on the plus strand (C>T on the coding strand, the complement: MYO1E is on the minus strand). VCF-style: chr15-59137459-G-A. GRCh37 (hg19) VCF-style: chr15-59429658-G-A.
Identifiers: ClinVar variation 3058806 (VCV003058806.2), dbSNP rs768395846, ClinGen allele CA7588953.